The following is an entry in ClinVar:

NM_001605.3(AARS1):c.1970A>T (p.Asn657Ile)

Gene: AARS1 (alanyl-tRNA synthetase 1; minus strand). Cytogenetic location: 16q22.1.
Variant type: single nucleotide variant.
Coding change: c.1970A>T on transcript NM_001605.3 (MANE Select); coding-DNA position 1970, A replaced by T.
Protein change: p.Asn657Ile; replaces asparagine 657 with isoleucine.
Molecular consequence: missense variant.
Genome position (GRCh38, 1-based): chr16:70,259,002, T>A on the plus strand (A>T on the coding strand, the complement: AARS1 is on the minus strand). VCF-style: chr16-70259002-T-A. GRCh37 (hg19) VCF-style: chr16-70292905-T-A.
Other names: short protein forms N657I.
Identifiers: ClinVar variation 2752667 (VCV002752667.3), dbSNP rs1194030736, ClinGen allele CA396557934.
Genomic context (GRCh38, chr16:70,259,002, plus strand): 5'-TGTGGGGAGGGGGGGCATTCAGCCGTCGCCCATCCTACCTTGGCTGCCTCAATCATCTCA[T>A]TAGCAATCTCTTCAGCCTTCTTGATCTGTTGGGTGGACATGGCTCCCTTGGCAGTAAAGT-3'
Protein context (NP_001596.2, residues 647-667): QQIKKAEEIA[Asn657Ile]EMIEAAKAVY

ClinVar aggregate classification (germline): Uncertain significance (1 of 4 stars; one submission).

Conditions:
Charcot-Marie-Tooth disease type 2. Also called: Charcot-Marie-Tooth type 2. Identifiers: Orphanet 64746, MedGen C0270914, MONDO:0018993.

Submission:

Labcorp Genetics (formerly Invitae), Labcorp
Classification: Uncertain significance for Charcot-Marie-Tooth disease type 2. Last evaluated: 2024-01-27. Review status: criteria provided, single submitter. Criteria: Invitae Variant Classification Sherloc (09022015). Collection method: clinical testing. Allele origin: germline.
Comment: This sequence change replaces asparagine, which is neutral and polar, with isoleucine, which is neutral and non-polar, at codon 657 of the AARS protein (p.Asn657Ile). This variant is not present in population databases (gnomAD no frequency). This variant has not been reported in the literature in individuals affected with AARS-related conditions. Advanced modeling of protein sequence and biophysical properties (such as structural, functional, and spatial information, amino acid conservation, physicochemical variation, residue mobility, and thermodynamic stability) performed at Invitae indicates that this missense variant is not expected to disrupt AARS protein function with a negative predictive value of 95%. In summary, the available evidence is currently insufficient to determine the role of this variant in disease. Therefore, it has been classified as a Variant of Uncertain Significance.